The following is an entry in ClinVar:

NM_000642.3(AGL):c.2949+2dup

Gene: AGL (amylo-alpha-1,6-glucosidase and 4-alpha-glucanotransferase; plus strand). Cytogenetic location: 1p21.2.
Variant type: Duplication.
Coding change: c.2949+2dup on transcript NM_000642.3 (MANE Select); the canonical splice donor site of the intron after coding-DNA position 2949, one base duplicated (T; older notation c.2949+2dupT).
Molecular consequence: splice donor variant.
Genome position (GRCh38, 1-based): chr1:99,891,358, T duplicated. VCF-style (leftmost placement, unchanged base first): chr1-99891357-G-GT. GRCh37 (hg19) VCF-style: chr1-100356913-G-GT.
Other names: c.2949+2dup (NM_000643.3, NM_000644.3, NM_001425325.1 and 1 more transcripts); c.2901+2dup (NM_000646.3); c.2928+2dup (NM_001425326.1); c.2748+2dup (NM_001425327.1); c.2745+2dup (NM_001425328.1); c.2610+2dup (NM_001425329.1); c.2571+2dup (NM_001425332.1); c.2949+2dupT (NM_000642.2).
Identifiers: ClinVar variation 551550 (VCV000551550.16), dbSNP rs1553188589, ClinGen allele CA658821115.

ClinVar aggregate classification (germline): Uncertain significance. Review status: criteria provided, multiple submitters, no conflicts (2 of 4 stars). 4 submissions from 4 submitters: Uncertain significance (2). 2 of the submissions do not count toward it. Last evaluated 2024-03-23.

Conditions:
Glycogen storage disease type III (GSD3). Also called: FORBES DISEASE; Cori disease. Identifiers: Orphanet 366, MedGen C0017922, MONDO:0009291, OMIM 232400.

Allele frequency attached by ClinVar (database versions not stated): gnomAD exomes below 0.00001.

Submissions (4):

Labcorp Genetics (formerly Invitae), Labcorp
Classification: Uncertain significance for Glycogen storage disease type III. Last evaluated: 2024-03-23. Review status: criteria provided, single submitter. Criteria: Invitae Variant Classification Sherloc (09022015). Collection method: clinical testing. Allele origin: germline.
Comment: This sequence change falls in intron 22 of the AGL gene. It does not directly change the encoded amino acid sequence of the AGL protein. It affects a nucleotide within the consensus splice site. This variant is not present in population databases (gnomAD no frequency). This variant has been observed in individual(s) with glycogen storage disease (PMID: 27106217). ClinVar contains an entry for this variant (Variation ID: 551550). Variants that disrupt the consensus splice site are a relatively common cause of aberrant splicing (PMID: 17576681, 9536098). Algorithms developed to predict the effect of sequence changes on RNA splicing suggest that this variant may disrupt the consensus splice site. In summary, the available evidence is currently insufficient to determine the role of this variant in disease. Therefore, it has been classified as a Variant of Uncertain Significance.

Genome-Nilou Lab
Classification: Uncertain significance for Glycogen storage disease type III. Last evaluated: 2021-07-15. Review status: criteria provided, single submitter. Criteria: ACMG Guidelines, 2015. Collection method: clinical testing. Allele origin: germline. Affected: no.

Natera, Inc.
Classification: Uncertain significance for Glycogen storage disease type III. Last evaluated: 2020-12-17. Review status: no assertion criteria provided. Collection method: clinical testing. Allele origin: germline. Not counted in ClinVar's aggregate classification.

Counsyl
Classification: Uncertain significance for Glycogen storage disease type III. Last evaluated: 2017-04-17. Review status: no assertion criteria provided. Collection method: clinical testing. Allele origin: unknown. Not counted in ClinVar's aggregate classification.

Literature cited by the submitters: PubMed 27106217 (cited by Labcorp Genetics (formerly Invitae), Labcorp and Counsyl); PubMed 17576681 (cited by Labcorp Genetics (formerly Invitae), Labcorp); PubMed 9536098 (cited by Labcorp Genetics (formerly Invitae), Labcorp).